The following is an entry in ClinVar:

NM_000548.5(TSC2):c.1916G>T (p.Arg639Leu)

Gene: TSC2 (TSC complex subunit 2; plus strand). Cytogenetic location: 16p13.3.
Variant type: single nucleotide variant.
Coding change: c.1916G>T on transcript NM_000548.5 (MANE Select); coding-DNA position 1916, G replaced by T.
Protein change: p.Arg639Leu; replaces arginine 639 with leucine.
Molecular consequence: missense variant.
Genome position (GRCh38, 1-based): chr16:2,071,586, G>T. VCF-style: chr16-2071586-G-T. GRCh37 (hg19) VCF-style: chr16-2121587-G-T.
Other names: c.1916G>T, p.Arg639Leu (NM_001077183.3, NM_001114382.3, NM_001363528.2 and 3 more transcripts); c.1805G>T, p.Arg602Leu (NM_001318827.2); c.1769G>T, p.Arg590Leu (NM_001318829.2); c.1316G>T, p.Arg439Leu (NM_001318831.2); c.1949G>T, p.Arg650Leu (NM_001318832.2); short protein forms R590L, R602L, R650L, R639L, R439L.
Identifiers: ClinVar variation 1039976 (VCV001039976.8), dbSNP rs753932484, ClinGen allele CA394273232.

ClinVar aggregate classification (germline): Uncertain significance (1 of 4 stars; one submission).

Conditions:
Tuberous sclerosis 2 (TSC2). Identifiers: Orphanet 805, MedGen C1860707, MONDO:0013199, OMIM 613254.

Submission:

Labcorp Genetics (formerly Invitae), Labcorp
Classification: Uncertain significance for Tuberous sclerosis 2. Last evaluated: 2020-03-16. Review status: criteria provided, single submitter. Criteria: Invitae Variant Classification Sherloc (09022015). Collection method: clinical testing. Allele origin: germline.
Comment: This sequence change replaces arginine with leucine at codon 639 of the TSC2 protein (p.Arg639Leu). The arginine residue is highly conserved and there is a moderate physicochemical difference between arginine and leucine. This variant is not present in population databases (ExAC no frequency). This variant has not been reported in the literature in individuals with TSC2-related conditions. Algorithms developed to predict the effect of missense changes on protein structure and function are either unavailable or do not agree on the potential impact of this missense change (SIFT: "Deleterious"; PolyPhen-2: "Possibly Damaging"; Align-GVGD: "Class C0"). In summary, the available evidence is currently insufficient to determine the role of this variant in disease. Therefore, it has been classified as a Variant of Uncertain Significance.